The following is an entry in ClinVar:

NM_001267550.2(TTN):c.2788G>T (p.Ala930Ser)

Gene: TTN (titin; minus strand). Cytogenetic location: 2q31.2.
Variant type: single nucleotide variant.
Coding change: c.2788G>T on transcript NM_001267550.2 (MANE Select); coding-DNA position 2788, G replaced by T.
Protein change: p.Ala930Ser; replaces alanine 930 with serine.
Molecular consequence: missense variant.
Genome position (GRCh38, 1-based): chr2:178,783,773, C>A on the plus strand (G>T on the coding strand, the complement: TTN is on the minus strand). VCF-style: chr2-178783773-C-A. GRCh37 (hg19) VCF-style: chr2-179648500-C-A.
Other names: c.2788G>T, p.Ala930Ser (NM_001256850.1, NM_133378.4, NM_133379.5); c.2650G>T, p.Ala884Ser (NM_003319.4, NM_133432.3, NM_133437.4); short protein forms A884S, A930S.
Identifiers: ClinVar variation 1683390 (VCV001683390.1), dbSNP rs758604858, ClinGen allele CA2005719.

ClinVar aggregate classification (germline): Uncertain significance (1 of 4 stars; one submission).

Allele frequency attached by ClinVar (database versions not stated): gnomAD exomes below 0.00001; ExAC 0.00001.
gnomAD v4.1: 1 of 1,613,062 alleles (0.000062%); highest among the groups gnomAD compares: Admixed American, 0.0017%; no homozygotes.

Submission:

Women's Health and Genetics/Laboratory Corporation of America, LabCorp
Classification: Uncertain significance. Last evaluated: 2022-04-07. Review status: criteria provided, single submitter. Criteria: LabCorp Variant Classification Summary - May 2015. Collection method: clinical testing. Allele origin: germline.
Comment: Variant summary: TTN c.2788G>T (p.Ala930Ser) results in a conservative amino acid change located in the near Z-disk region of the encoded protein sequence. Three of five in-silico tools predict a benign effect of the variant on protein function. The variant allele was found at a frequency of 4e-06 in 251158 control chromosomes (gnomAD). The available data on variant occurrences in the general population are insufficient to allow any conclusion about variant significance. To our knowledge, no occurrence of c.2788G>T in individuals affected with Limb-Girdle Muscular Dystrophy, Type 2J and no experimental evidence demonstrating its impact on protein function have been reported. No clinical diagnostic laboratories have submitted clinical-significance assessments for this variant to ClinVar after 2014. Based on the evidence outlined above, the variant was classified as uncertain significance.